The following is an entry in ClinVar:

ClinVar aggregate classification (germline): Uncertain significance. Review status: criteria provided, multiple submitters, no conflicts (2 of 4 stars). 2 submissions from 2 submitters: Uncertain significance (2). Last evaluated 2019-10-17.

Conditions:
Leigh syndrome (NULS). Also called: Leigh's necrotizing encephalopathy; Leigh's disease; Leigh Syndrome (mtDNA deletion); Leigh Disease; Subacute necrotizing encephalopathy; Necrotizing encephalopathy infantile subacute of Leigh. Identifiers: Orphanet 506, MedGen C2931891, MONDO:0009723, OMIM 256000.

Submissions (2):

Wong Mito Lab, Molecular and Human Genetics, Baylor College of Medicine
Classification: Uncertain significance for Leigh syndrome. Last evaluated: 2019-10-17. Review status: criteria provided, single submitter. Criteria: Modified ACMG Guidelines (Unpublished). Collection method: clinical testing. Allele origin: germline.
Comment: The NC_012920.1:m.3887A>G (YP_003024026.1:p.Asn194Ser) variant in MTND1 gene is interpretated to be a Uncertain Significance variant based on the modified ACMG guidelines (unpublished). This variant meets the following evidence codes: PP7

Centre for Mendelian Genomics, University Medical Centre Ljubljana
Classification: Uncertain significance. Last evaluated: 2019-07-23. Review status: criteria provided, single submitter. Criteria: ACMG Guidelines, 2015. Collection method: clinical testing. Allele origin: unknown. Affected: yes.
Comment: This variant was classified as: Uncertain significance. The available evidence on this variant's pathogenicity is insufficient or conflicting. The following ACMG criteria were applied in classifying this variant: PM2.

NC_012920.1(MT-ND1):m.3887A>G

Gene: MT-ND1 (mitochondrially encoded NADH dehydrogenase 1; plus strand).
Variant type: single nucleotide variant.
Genome position: chrM-3887-A-G.
Identifiers: ClinVar variation 692405 (VCV000692405.4), dbSNP rs1603219185, ClinGen allele CA414773734.
Genomic context (GRCh38, chrMT:3,887, plus strand): 5'-TACTCCTGCCATCATGACCCTTGGCCATAATATGATTTATCTCCACACTAGCAGAGACCA[A>G]CCGAACCCCCTTCGACCTTGCCGAAGGGGAGTCCGAACTAGTCTCAGGCTTCAACATCGA-3'